The following is an entry in ClinVar:

NM_015295.3(SMCHD1):c.1156G>A (p.Val386Ile)

Gene: SMCHD1 (structural maintenance of chromosomes flexible hinge domain containing 1; plus strand). Cytogenetic location: 18p11.32.
Variant type: single nucleotide variant.
Coding change: c.1156G>A on transcript NM_015295.3 (MANE Select); coding-DNA position 1156, G replaced by A.
Protein change: p.Val386Ile; replaces valine 386 with isoleucine.
Molecular consequence: missense variant.
Genome position (GRCh38, 1-based): chr18:2,697,855, G>A. VCF-style: chr18-2697855-G-A. GRCh37 (hg19) VCF-style: chr18-2697853-G-A.
Other names: short protein forms V386I.
Identifiers: ClinVar variation 1468355 (VCV001468355.8), dbSNP rs753435352, ClinGen allele CA8870701.
Genomic context (GRCh38, chr18:2,697,855, plus strand): 5'-TAGAATTTAATTATTTTTGTTTCCTTTTTATTTTAGATTTCTATGTTTGAAAAAGGGAAG[G>A]TACCTAAGATTGTCAACCTAAGGGAAATACAAGACGACATGCAGACGTTGTATGTAAACA-3'
Protein context (NP_056110.2, residues 376-396): IEISMFEKGK[Val386Ile]PKIVNLREIQ

ClinVar aggregate classification (germline): Uncertain significance (1 of 4 stars; one submission).

Conditions:
Facioscapulohumeral muscular dystrophy 2 (FSHD2). Also called: FACIOSCAPULOHUMERAL MUSCULAR DYSTROPHY 2, DIGENIC; FSHD2, DIGENIC; MUSCULAR DYSTROPHY, FACIOSCAPULOHUMERAL, TYPE 1B. Identifiers: Orphanet 269, MedGen C1834671, MONDO:0008031, OMIM 158901.

Allele frequency attached by ClinVar (database versions not stated): gnomAD exomes below 0.00001; ExAC 0.00001; TOPMed 0.00001; gnomAD 0.00002.

Submission:

Labcorp Genetics (formerly Invitae), Labcorp
Classification: Uncertain significance for Facioscapulohumeral muscular dystrophy 2. Last evaluated: 2021-04-02. Review status: criteria provided, single submitter. Criteria: Invitae Variant Classification Sherloc (09022015). Collection method: clinical testing. Allele origin: germline.
Comment: This sequence change replaces valine with isoleucine at codon 386 of the SMCHD1 protein (p.Val386Ile). The valine residue is weakly conserved and there is a small physicochemical difference between valine and isoleucine. This variant is present in population databases (rs753435352, ExAC 0.01%). This variant has not been reported in the literature in individuals with SMCHD1-related conditions. Algorithms developed to predict the effect of missense changes on protein structure and function (SIFT, PolyPhen-2, Align-GVGD) all suggest that this variant is likely to be tolerated, but these predictions have not been confirmed by published functional studies and their clinical significance is uncertain. In summary, the available evidence is currently insufficient to determine the role of this variant in disease. Therefore, it has been classified as a Variant of Uncertain Significance.